The following is an entry in ClinVar:

NM_052947.4(ALPK2):c.1568A>C (p.Lys523Thr)

Gene: ALPK2 (alpha kinase 2; minus strand). Cytogenetic location: 18q21.31.
Variant type: single nucleotide variant.
Coding change: c.1568A>C on transcript NM_052947.4 (MANE Select); coding-DNA position 1568, A replaced by C.
Protein change: p.Lys523Thr; replaces lysine 523 with threonine.
Molecular consequence: missense variant.
Genome position (GRCh38, 1-based): chr18:58,579,208, T>G on the plus strand (A>C on the coding strand, the complement: ALPK2 is on the minus strand). VCF-style: chr18-58579208-T-G. GRCh37 (hg19) VCF-style: chr18-56246440-T-G.
Other names: short protein forms K523T.
Identifiers: ClinVar variation 3228576 (VCV003228576.1), dbSNP rs1172216003, ClinGen allele CA402562038.
Genomic context (GRCh38, chr18:58,579,208, plus strand): 5'-TTCATTCCCGGCTGCCTCACCCTGGCAGATTTCCTTGAACCCCTCTTGCTCCATAAGTCC[T>G]TTCCCCCCACTCTCTTGTCAGCTGCCGTCTCCCAACACTGGCTCATCCCTGAGTTTTCTG-3'
Protein context (NP_443179.3, residues 513-533): ETAADKRVGG[Lys523Thr]DLWSKRGSRK

ClinVar aggregate classification (germline): Uncertain significance (1 of 4 stars; one submission).

Submission:

Ambry Genetics
Classification: Uncertain significance. Last evaluated: 2024-01-01. Review status: criteria provided, single submitter. Criteria: Ambry Variant Classification Scheme 2023. Collection method: clinical testing. Allele origin: germline.
Comment: The p.K523T variant (also known as c.1568A>C), located in coding exon 3 of the ALPK2 gene, results from an A to C substitution at nucleotide position 1568. The lysine at codon 523 is replaced by threonine, an amino acid with similar properties. This amino acid position is conserved. In addition, this alteration is predicted to be tolerated by in silico analysis. Since supporting evidence is limited at this time, the clinical significance of this alteration remains unclear.